The following is an entry in ClinVar:

ClinVar aggregate classification (germline): Conflicting classifications of pathogenicity. Review status: criteria provided, conflicting classifications (1 of 4 stars). 3 submissions from 3 submitters: Uncertain significance (1); Likely benign (1). 1 of the submissions does not count toward it. Last evaluated 2025-11-13.

Conditions:
Inborn genetic diseases. Identifiers: MedGen C0950123, MeSH D030342.
PORCN-related disorder. Also called: PORCN-related condition.

Allele frequency attached by ClinVar (database versions not stated): gnomAD exomes 0.00001; TOPMed 0.00001; ESP Exome Variant Server 0.00009.
gnomAD v4.1: 6 of 1,211,588 alleles (0.0005%); highest among the groups gnomAD compares: Non-Finnish European, 0.00067%; no homozygotes.

Submissions (3):

Ambry Genetics
Classification: Uncertain significance for Inborn genetic diseases. Last evaluated: 2025-11-13. Review status: criteria provided, single submitter. Criteria: Ambry Variant Classification Scheme 2023. Collection method: clinical testing. Allele origin: germline.

GeneDx
Classification: Likely benign. Last evaluated: 2017-08-07. Review status: criteria provided, single submitter. Criteria: GeneDx Variant Classification (06012015). Collection method: clinical testing. Allele origin: germline. Affected: yes.
Comment: This variant is considered likely benign or benign based on one or more of the following criteria: it is a conservative change, it occurs at a poorly conserved position in the protein, it is predicted to be benign by multiple in silico algorithms, and/or has population frequency not consistent with disease.

PreventionGenetics, part of Exact Sciences
Classification: Uncertain significance for PORCN-related condition. Last evaluated: 2024-03-29. Review status: no assertion criteria provided. Collection method: clinical testing. Allele origin: germline. Not counted in ClinVar's aggregate classification.
Comment: The PORCN c.452C>T variant is predicted to result in the amino acid substitution p.Ser151Leu. To our knowledge, this variant has not been reported in the literature or in a large population database, indicating this variant is rare. At this time, the clinical significance of this variant is uncertain due to the absence of conclusive functional and genetic evidence.

NM_203475.3(PORCN):c.452C>T (p.Ser151Leu)

Gene: PORCN (porcupine O-acyltransferase; plus strand). Cytogenetic location: Xp11.23.
Variant type: single nucleotide variant.
Coding change: c.452C>T on transcript NM_203475.3 (MANE Select); coding-DNA position 452, C replaced by T.
Protein change: p.Ser151Leu; replaces serine 151 with leucine.
Molecular consequence: missense variant.
Genome position (GRCh38, 1-based): chrX:48,512,404, C>T. VCF-style: chrX-48512404-C-T. GRCh37 (hg19) VCF-style: chrX-48370792-C-T.
Other names: c.452C>T (NM_203475.2); c.239C>T, p.Ser80Leu (NM_001282167.2); c.452C>T, p.Ser151Leu (NM_022825.4, NM_203473.3, NM_203474.1); short protein forms S151L, S80L.
Identifiers: ClinVar variation 516503 (VCV000516503.3), dbSNP rs145839490, ClinGen allele CA329068178.